The following is an entry in ClinVar:

NM_015311.3(OBSL1):c.4739A>T (p.Tyr1580Phe)

Gene: OBSL1 (obscurin like cytoskeletal adaptor 1; minus strand). Cytogenetic location: 2q35.
Variant type: single nucleotide variant.
Coding change: c.4739A>T on transcript NM_015311.3 (MANE Select); coding-DNA position 4739, A replaced by T.
Protein change: p.Tyr1580Phe; replaces tyrosine 1580 with phenylalanine.
Molecular consequence: missense variant.
Genome position (GRCh38, 1-based): chr2:219,554,611, T>A on the plus strand (A>T on the coding strand, the complement: OBSL1 is on the minus strand). VCF-style: chr2-219554611-T-A. GRCh37 (hg19) VCF-style: chr2-220419333-T-A.
Other names: short protein forms Y1580F.
Identifiers: ClinVar variation 1047721 (VCV001047721.8), dbSNP rs1298402217, ClinGen allele CA350723473.

ClinVar aggregate classification (germline): Uncertain significance (1 of 4 stars; one submission).

Allele frequency attached by ClinVar (database versions not stated): TOPMed 0.00001.
gnomAD v4.1: 8 of 1,613,002 alleles (0.0005%); highest among the groups gnomAD compares: Non-Finnish European, 0.00068%; no homozygotes.

Submission:

Labcorp Genetics (formerly Invitae), Labcorp
Classification: Uncertain significance. Last evaluated: 2022-07-25. Review status: criteria provided, single submitter. Criteria: Invitae Variant Classification Sherloc (09022015). Collection method: clinical testing. Allele origin: germline.
Comment: In summary, the available evidence is currently insufficient to determine the role of this variant in disease. Therefore, it has been classified as a Variant of Uncertain Significance. Algorithms developed to predict the effect of missense changes on protein structure and function (SIFT, PolyPhen-2, Align-GVGD) all suggest that this variant is likely to be tolerated. ClinVar contains an entry for this variant (Variation ID: 1047721). This variant has not been reported in the literature in individuals affected with OBSL1-related conditions. This variant is present in population databases (no rsID available, gnomAD 0.0009%). This sequence change replaces tyrosine, which is neutral and polar, with phenylalanine, which is neutral and non-polar, at codon 1580 of the OBSL1 protein (p.Tyr1580Phe).